The following is an entry in ClinVar:

ClinVar aggregate classification (germline): Uncertain significance (1 of 4 stars; one submission).

Conditions:
Hereditary hyperekplexia. Identifiers: Orphanet 3197, MedGen C4084968, MONDO:0021022.

Allele frequency attached by ClinVar (database versions not stated): gnomAD 0.00001; 1000 Genomes Project 30x 0.00016; 1000 Genomes Project 0.00020.
gnomAD v4.1: 1 of 1,614,102 alleles (0.000062%); highest among the groups gnomAD compares: Non-Finnish European, 0.000085%; no homozygotes.

Submission:

Labcorp Genetics (formerly Invitae), Labcorp
Classification: Uncertain significance for Hereditary hyperekplexia. Last evaluated: 2022-06-15. Review status: criteria provided, single submitter. Criteria: Invitae Variant Classification Sherloc (09022015). Collection method: clinical testing. Allele origin: germline.
Comment: This sequence change replaces isoleucine, which is neutral and non-polar, with methionine, which is neutral and non-polar, at codon 380 of the GLRA1 protein (p.Ile380Met). This variant is not present in population databases (gnomAD no frequency). This variant has not been reported in the literature in individuals affected with GLRA1-related conditions. Advanced modeling of protein sequence and biophysical properties (such as structural, functional, and spatial information, amino acid conservation, physicochemical variation, residue mobility, and thermodynamic stability) performed at Invitae indicates that this missense variant is not expected to disrupt GLRA1 protein function. In summary, the available evidence is currently insufficient to determine the role of this variant in disease. Therefore, it has been classified as a Variant of Uncertain Significance.

NM_000171.4(GLRA1):c.1140C>G (p.Ile380Met)

Gene: GLRA1 (glycine receptor alpha 1; minus strand). Cytogenetic location: 5q33.1.
Variant type: single nucleotide variant.
Coding change: c.1140C>G on transcript NM_000171.4 (MANE Select); coding-DNA position 1140, C replaced by G.
Protein change: p.Ile380Met; replaces isoleucine 380 with methionine.
Molecular consequence: missense variant.
Genome position (GRCh38, 1-based): chr5:151,822,883, G>C on the plus strand (C>G on the coding strand, the complement: GLRA1 is on the minus strand). VCF-style: chr5-151822883-G-C. GRCh37 (hg19) VCF-style: chr5-151202444-G-C.
Other names: c.1164C>G, p.Ile388Met (NM_001146040.2); c.891C>G, p.Ile297Met (NM_001292000.2); short protein forms I297M, I380M, I388M.
Identifiers: ClinVar variation 2043541 (VCV002043541.4), dbSNP rs529962135, ClinGen allele CA130006384.